The following is an entry in ClinVar:

ClinVar aggregate classification (germline): Uncertain significance (1 of 4 stars; one submission).

Submission:

GeneDx
Classification: Uncertain significance. Last evaluated: 2022-05-13. Review status: criteria provided, single submitter. Criteria: GeneDx Variant Classification Process June 2021. Collection method: clinical testing. Allele origin: germline. Affected: yes.
Comment: Not observed at significant frequency in large population cohorts (gnomAD); In silico analysis supports that this missense variant has a deleterious effect on protein structure/function; Has not been previously published as pathogenic or benign to our knowledge

NM_006852.6(TLK2):c.1219A>G (p.Arg407Gly)

Gene: TLK2 (tousled like kinase 2; plus strand). Cytogenetic location: 17q23.2.
Variant type: single nucleotide variant.
Coding change: c.1219A>G on transcript NM_006852.6 (MANE Select); coding-DNA position 1219, A replaced by G.
Protein change: p.Arg407Gly; replaces arginine 407 with glycine.
Molecular consequence: missense variant.
Genome position (GRCh38, 1-based): chr17:62,578,507, A>G. VCF-style: chr17-62578507-A-G. GRCh37 (hg19) VCF-style: chr17-60655868-A-G.
Other names: c.1285A>G, p.Arg429Gly (NM_001284333.3); c.1123A>G, p.Arg375Gly (NM_001284363.1, NM_001375272.1); c.772A>G, p.Arg258Gly (NM_001330418.3, NM_001375273.1); c.1261A>G, p.Arg421Gly (NM_001375269.1); c.1219A>G, p.Arg407Gly (NM_001375270.1, NM_001375271.1); c.934A>G, p.Arg312Gly (NM_001411074.1); short protein forms R258G, R312G, R375G, R407G, R421G, R429G.
Identifiers: ClinVar variation 1800719 (VCV001800719.1), dbSNP rs2545778676, ClinGen allele CA400503451.